The following is an entry in ClinVar:

NM_021098.3(CACNA1H):c.2603+5G>A

Gene: CACNA1H (calcium voltage-gated channel subunit alpha1 H; plus strand). Cytogenetic location: 16p13.3.
Variant type: single nucleotide variant.
Coding change: c.2603+5G>A on transcript NM_021098.3 (MANE Select); 5 bases into the intron after coding-DNA position 2603, G replaced by A.
Molecular consequence: intron variant.
Genome position (GRCh38, 1-based): chr16:1,205,270, G>A. VCF-style: chr16-1205270-G-A. GRCh37 (hg19) VCF-style: chr16-1255270-G-A.
Other names: c.2603+5G>A (NM_001005407.2).
Identifiers: ClinVar variation 862432 (VCV000862432.1), dbSNP rs1968547662, ClinGen allele CA916083466.

ClinVar aggregate classification (germline): Uncertain significance (1 of 4 stars; one submission).

Conditions:
Idiopathic generalized epilepsy. Also called: EIG; Generalised epilepsy. Identifiers: MedGen C0270850, MONDO:0005579, OMIM 600669.
Hyperaldosteronism, familial, type IV (HALD4). Also called: FH IV; ALDOSTERONISM, PRIMARY, AND HYPERTENSION. Identifiers: Orphanet 642671, MedGen C4310756, MONDO:0014875, OMIM 617027.

gnomAD v4.1: 1 of 1,594,050 alleles (0.000063%); no homozygotes.

Submission:

Labcorp Genetics (formerly Invitae), Labcorp
Classification: Uncertain significance for Idiopathic generalized epilepsy; Hyperaldosteronism, familial, type IV. Last evaluated: 2019-12-02. Review status: criteria provided, single submitter. Criteria: Invitae Variant Classification Sherloc (09022015). Collection method: clinical testing. Allele origin: germline.
Comment: This sequence change falls in intron 11 of the CACNA1H gene. It does not directly change the encoded amino acid sequence of the CACNA1H protein, but it affects a nucleotide within the consensus splice site of the intron. This variant is not present in population databases (ExAC no frequency). This variant has not been reported in the literature in individuals with CACNA1H-related conditions. Nucleotide substitutions within the consensus splice site are a relatively common cause of aberrant splicing (PMID: 17576681, 9536098). Algorithms developed to predict the effect of sequence changes on RNA splicing suggest that this variant may disrupt the consensus splice site, but this prediction has not been confirmed by published transcriptional studies. In summary, the available evidence is currently insufficient to determine the role of this variant in disease. Therefore, it has been classified as a Variant of Uncertain Significance.